The following is an entry in ClinVar:

NM_000749.5(CHRNB3):c.847G>A (p.Glu283Lys)

Gene: CHRNB3 (cholinergic receptor nicotinic beta 3 subunit; plus strand). Cytogenetic location: 8p11.21.
Variant type: single nucleotide variant.
Coding change: c.847G>A on transcript NM_000749.5 (MANE Select); coding-DNA position 847, G replaced by A.
Protein change: p.Glu283Lys; replaces glutamic acid 283 with lysine.
Molecular consequence: missense variant.
Genome position (GRCh38, 1-based): chr8:42,732,154, G>A. VCF-style: chr8-42732154-G-A. GRCh37 (hg19) VCF-style: chr8-42587297-G-A.
Other names: c.625G>A, p.Glu209Lys (NM_001347717.2); short protein forms E209K, E283K.
Identifiers: ClinVar variation 4881459 (VCV004881459.2).
Genomic context (GRCh38, chr8:42,732,154, plus strand): 5'-GAAAAACTTTCATTATCCACATCGGTCTTGGTTTCTCTGACAGTTTTCCTTTTAGTGATT[G>A]AAGAAATCATCCCATCGTCTTCCAAAGTCATTCCTCTCATTGGAGAGTACCTGCTGTTCA-3'
Protein context (NP_000740.1, residues 273-293): VSLTVFLLVI[Glu283Lys]EIIPSSSKVI

ClinVar aggregate classification (germline): Uncertain significance (1 of 4 stars; one submission).

Submission:

Dasa
Classification: Uncertain significance. Last evaluated: 2025-11-10. Review status: criteria provided, single submitter. Criteria: DASA Assertion Criteria. Collection method: clinical testing. Allele origin: germline.
Comment: NM_000749.5(CHRNB3):c.847G>A (p.Glu283Lys) is a missense variant that results in the substitution of glutamic acid with lysine. This variant is absent from population databases. Computational prediction algorithms are consistent with a deleterious effect. The currently available literature and clinical evidence are not sufficient to establish a definitive association between this variant and the reported condition. Therefore, this variant is classified as a variant of uncertain significance.